The following is an entry in ClinVar:

ClinVar aggregate classification (germline): Uncertain significance. Review status: criteria provided, multiple submitters, no conflicts (2 of 4 stars). 3 submissions from 3 submitters: Uncertain significance (3). Last evaluated 2026-05-14.

Conditions:
Familial thoracic aortic aneurysm and aortic dissection (TAAD). Also called: Thoracic aortic aneurysms and dissections. Identifiers: Orphanet 91387, MedGen C4707243, MONDO:0019625.
Aortic aneurysm, familial thoracic 4 (AAT4). Also called: AORTIC ANEURYSM/AORTIC DISSECTION AND PATENT DUCTUS ARTERIOSUS. Identifiers: MedGen C1851504, MONDO:0007568, OMIM 132900.

Allele frequency attached by ClinVar (database versions not stated): TOPMed 0.00002; gnomAD exomes below 0.00001 and 0.00001; ExAC 0.00002; gnomAD 0.00002.
gnomAD v4.1: 9 of 1,613,932 alleles (0.00056%); highest among the groups gnomAD compares: African/African-American, 0.0027%; no homozygotes.

Submissions (3):

Ambry Genetics
Classification: Uncertain significance for Familial thoracic aortic aneurysm and aortic dissection. Last evaluated: 2026-05-14. Review status: criteria provided, single submitter. Criteria: Ambry Variant Classification Scheme 2023. Collection method: clinical testing. Allele origin: germline.
Comment: The p.A815T variant (also known as c.2443G>A), located in coding exon 19 of the MYH11 gene, results from a G to A substitution at nucleotide position 2443. The alanine at codon 815 is replaced by threonine, an amino acid with similar properties. This amino acid position is conserved. In addition, the in silico prediction for this alteration is inconclusive. Based on the available evidence, the clinical significance of this variant remains unclear.

Labcorp Genetics (formerly Invitae), Labcorp
Classification: Uncertain significance for Aortic aneurysm, familial thoracic 4. Last evaluated: 2025-01-14. Review status: criteria provided, single submitter. Criteria: Invitae Variant Classification Sherloc (09022015). Collection method: clinical testing. Allele origin: germline.
Comment: This sequence change replaces alanine, which is neutral and non-polar, with threonine, which is neutral and polar, at codon 822 of the MYH11 protein (p.Ala822Thr). This variant is present in population databases (rs774279707, gnomAD 0.005%). This variant has not been reported in the literature in individuals affected with MYH11-related conditions. ClinVar contains an entry for this variant (Variation ID: 851775). Invitae Evidence Modeling of protein sequence and biophysical properties (such as structural, functional, and spatial information, amino acid conservation, physicochemical variation, residue mobility, and thermodynamic stability) indicates that this missense variant is not expected to disrupt MYH11 protein function with a negative predictive value of 80%. In summary, the available evidence is currently insufficient to determine the role of this variant in disease. Therefore, it has been classified as a Variant of Uncertain Significance.

Color Diagnostics, LLC DBA Color Health
Classification: Uncertain significance for Familial thoracic aortic aneurysm and aortic dissection. Last evaluated: 2024-04-15. Review status: criteria provided, single submitter. Criteria: ACMG Guidelines, 2015. Collection method: clinical testing. Allele origin: germline.
Comment: This missense variant replaces alanine with threonine at codon 822 of the MYH11 protein. Computational prediction tools indicate that this variant has a deleterious impact on protein structure and function. To our knowledge, functional studies have not been reported for this variant. This variant has not been reported in individuals affected with MYH11-related disorders in the literature. This variant has been identified in 4/282722 chromosomes in the general population by the Genome Aggregation Database (gnomAD). The available evidence is insufficient to determine the role of this variant in disease conclusively. Therefore, this variant is classified as a Variant of Uncertain Significance.

NM_002474.3(MYH11):c.2443G>A (p.Ala815Thr)

Gene: MYH11 (myosin heavy chain 11; minus strand). Cytogenetic location: 16p13.11.
Variant type: single nucleotide variant.
Coding change: c.2443G>A on transcript NM_002474.3 (MANE Select); coding-DNA position 2443, G replaced by A.
Protein change: p.Ala815Thr; replaces alanine 815 with threonine.
Molecular consequence: missense variant.
Genome position (GRCh38, 1-based): chr16:15,745,206, C>T on the plus strand (G>A on the coding strand, the complement: MYH11 is on the minus strand). VCF-style: chr16-15745206-C-T. GRCh37 (hg19) VCF-style: chr16-15839063-C-T.
Other names: c.2443G>A (NM_002474.2); c.2464G>A, p.Ala822Thr (NM_001040113.2, NM_001040114.2); c.2443G>A, p.Ala815Thr (NM_022844.3); short protein forms A815T, A822T.
Identifiers: ClinVar variation 851775 (VCV000851775.9), dbSNP rs774279707, ClinGen allele CA7922265.